The following is an entry in ClinVar:

NM_007294.4(BRCA1):c.5193+13T>C

Gene: BRCA1 (BRCA1 DNA repair associated; minus strand). Cytogenetic location: 17q21.31.
Variant type: single nucleotide variant.
Coding change: c.5193+13T>C on transcript NM_007294.4 (MANE Select); 13 bases into the intron after coding-DNA position 5193, T replaced by C.
Molecular consequence: intron variant.
Genome position (GRCh38, 1-based): chr17:43,063,320, A>G on the plus strand (T>C on the coding strand, the complement: BRCA1 is on the minus strand). VCF-style: chr17-43063320-A-G. GRCh37 (hg19) VCF-style: chr17-41215337-A-G.
Other names: c.1740+13T>C (NM_001408458.1, NM_001408461.1, NM_001408464.1 and 7 more transcripts); c.4302+13T>C (NM_001407967.1); c.4812+13T>C (NM_001407959.1); c.4926+13T>C (NM_001407931.1, NM_001407932.1, NM_001407928.1 and 4 more transcripts); c.5049+13T>C (NM_001407747.1, NM_001407745.1, NM_001407737.1 and 21 more transcripts); c.4809+13T>C (NM_001407962.1, NM_001407960.1); c.1380+13T>C (NM_001408512.1); c.1503+13T>C (NM_001408510.1); and 72 more.
Identifiers: ClinVar variation 868138 (VCV000868138.8), dbSNP rs273901750, ClinGen allele CA916080016.

ClinVar aggregate classification (germline): Likely benign (1 of 4 stars; one submission).

Conditions:
Hereditary breast ovarian cancer syndrome. Also called: Hereditary breast and ovarian cancer; Hereditary breast and ovarian cancer syndrome (HBOC); Breast and ovarian cancer; Hereditary breast and/or ovarian cancer syndrome; BRCA1- and BRCA2-Associated Hereditary Breast and Ovarian Cancer; Hereditary breast and ovarian cancer syndrome. Identifiers: Orphanet 145, MedGen C0677776, MeSH D061325, MONDO:0003582. Disease mechanism: loss of function.

Allele frequency attached by ClinVar (database versions not stated): gnomAD exomes below 0.00001.
gnomAD v4.1: 1 of 1,599,002 alleles (0.000063%); highest among the groups gnomAD compares: Non-Finnish European, 0.000086%; no homozygotes.

Submissions (2):

Labcorp Genetics (formerly Invitae), Labcorp
Classification: Likely benign for Hereditary breast ovarian cancer syndrome. Last evaluated: 2025-02-12. Review status: criteria provided, single submitter. Criteria: Invitae Variant Classification Sherloc (09022015). Collection method: clinical testing. Allele origin: germline.

Brotman Baty Institute, University of Washington
No classification provided (evidence only). Condition: Breast-ovarian cancer, familial 1. Review status: no classification provided. Collection method: in vitro. Allele origin: not applicable. Functional consequence: functionally_normal. Not counted in ClinVar's aggregate classification.
ClinVar note: "not provided" was previously submitted as the classification for the variant. However, the classification appeared to be based only on an observation of functional data so it was converted to no classification on 2025-07-30.